The following is an entry in ClinVar:

NM_000214.3(JAG1):c.2794G>A (p.Gly932Ser)

Gene: JAG1 (jagged canonical Notch ligand 1; minus strand). Cytogenetic location: 20p12.2.
Variant type: single nucleotide variant.
Coding change: c.2794G>A on transcript NM_000214.3 (MANE Select); coding-DNA position 2794, G replaced by A.
Protein change: p.Gly932Ser; replaces glycine 932 with serine.
Molecular consequence: missense variant.
Genome position (GRCh38, 1-based): chr20:10,641,582, C>T on the plus strand (G>A on the coding strand, the complement: JAG1 is on the minus strand). VCF-style: chr20-10641582-C-T. GRCh37 (hg19) VCF-style: chr20-10622230-C-T.
Other names: short protein forms G932S.
Identifiers: ClinVar variation 4696514 (VCV004696514.1).

ClinVar aggregate classification (germline): Uncertain significance (1 of 4 stars; one submission).

Conditions:
Alagille syndrome due to a JAG1 point mutation. Also called: HEPATIC DUCTULAR HYPOPLASIA, SYNDROMATIC; Alagille Syndrome 1; JAG1-Related Alagille Syndrome. Identifiers: Orphanet 261619, Orphanet 52, MedGen C1956125, MONDO:0016862, OMIM 118450.

Submission:

Labcorp Genetics (formerly Invitae), Labcorp
Classification: Uncertain significance for Alagille syndrome due to a JAG1 point mutation. Last evaluated: 2025-12-23. Review status: criteria provided, single submitter. Criteria: Invitae Variant Classification Sherloc (09022015). Collection method: clinical testing. Allele origin: germline.
Comment: This sequence change replaces glycine, which is neutral and non-polar, with serine, which is neutral and polar, at codon 932 of the JAG1 protein (p.Gly932Ser). This variant is not present in population databases (gnomAD no frequency). This variant has not been reported in the literature in individuals affected with JAG1-related conditions. Invitae Evidence Modeling of protein sequence and biophysical properties (such as structural, functional, and spatial information, amino acid conservation, physicochemical variation, residue mobility, and thermodynamic stability) indicates that this missense variant is not expected to disrupt JAG1 protein function with a negative predictive value of 95%. In summary, the available evidence is currently insufficient to determine the role of this variant in disease. Therefore, it has been classified as a Variant of Uncertain Significance.